The following is an entry in ClinVar:

ClinVar aggregate classification (germline): Benign (0 of 4 stars; one submission).

Conditions:
MYO16-related disorder. Also called: MYO16-related condition.

Allele frequency attached by ClinVar (database versions not stated): 1000 Genomes Project 30x 0.06230; 1000 Genomes Project 0.06390; ESP Exome Variant Server 0.09745; ExAC 0.10195.
gnomAD v4.1: 177,004 of 1,593,452 alleles (11%); highest among the groups gnomAD compares: Non-Finnish European, 12%; 10,948 homozygotes.

Submission:

PreventionGenetics, part of Exact Sciences
Classification: Benign for MYO16-related condition. Last evaluated: 2019-10-23. Review status: no assertion criteria provided. Collection method: clinical testing. Allele origin: germline.
Comment: This variant is classified as benign based on ACMG/AMP sequence variant interpretation guidelines (Richards et al. 2015 PMID: 25741868, with internal and published modifications).

NM_001198950.3(MYO16):c.1413T>C (p.Ile471=)

Gene: MYO16 (myosin XVI; plus strand). Cytogenetic location: 13q33.3.
Variant type: single nucleotide variant.
Coding change: c.1413T>C on transcript NM_001198950.3 (MANE Select); coding-DNA position 1413, T replaced by C.
Protein change: p.Ile471=; no amino-acid change (isoleucine 471 retained).
Molecular consequence: synonymous variant.
Genome position (GRCh38, 1-based): chr13:108,866,230, T>C. VCF-style: chr13-108866230-T-C. GRCh37 (hg19) VCF-style: chr13-109518578-T-C.
Other names: c.1347T>C, p.Ile449= (NM_015011.3).
Identifiers: ClinVar variation 3059321 (VCV003059321.2), dbSNP rs9559428, ClinGen allele CA7044740.
Genomic context (GRCh38, chr13:108,866,230, plus strand): 5'-TTCACAGACATTCATTGGAGACATTCTTTTGCTTGTTAACCCATACAAGGAGCTTCCAAT[T>C]TATTCTTCCATGGTGAGCACAAAATTTTAAATATCATTGAATAATGTAGAGTAATACTTT-3'
Protein context (NP_001185879.1, residues 461-481): LLVNPYKELP[Ile471=]YSSMVSQLYF